The following is an entry in ClinVar:

ClinVar aggregate classification (germline): Uncertain significance (1 of 4 stars; one submission).

Allele frequency attached by ClinVar (database versions not stated): gnomAD exomes below 0.00001.
gnomAD v4.1: 5 of 1,613,512 alleles (0.00031%); highest among the groups gnomAD compares: Non-Finnish European, 0.00034%; no homozygotes.

Submission:

Labcorp Genetics (formerly Invitae), Labcorp
Classification: Uncertain significance. Last evaluated: 2022-08-23. Review status: criteria provided, single submitter. Criteria: Invitae Variant Classification Sherloc (09022015). Collection method: clinical testing. Allele origin: germline.
Comment: In summary, the available evidence is currently insufficient to determine the role of this variant in disease. Therefore, it has been classified as a Variant of Uncertain Significance. Algorithms developed to predict the effect of missense changes on protein structure and function (SIFT, PolyPhen-2, Align-GVGD) all suggest that this variant is likely to be tolerated. This variant has not been reported in the literature in individuals affected with HMCN1-related conditions. This variant is not present in population databases (gnomAD no frequency). This sequence change replaces glutamic acid, which is acidic and polar, with glycine, which is neutral and non-polar, at codon 437 of the HMCN1 protein (p.Glu437Gly).

NM_031935.3(HMCN1):c.1310A>G (p.Glu437Gly)

Gene: HMCN1 (hemicentin 1; plus strand). Cytogenetic location: 1q31.1.
Variant type: single nucleotide variant.
Coding change: c.1310A>G on transcript NM_031935.3 (MANE Select); coding-DNA position 1310, A replaced by G.
Protein change: p.Glu437Gly; replaces glutamic acid 437 with glycine.
Molecular consequence: missense variant.
Genome position (GRCh38, 1-based): chr1:185,925,071, A>G. VCF-style: chr1-185925071-A-G. GRCh37 (hg19) VCF-style: chr1-185894203-A-G.
Other names: short protein forms E437G.
Identifiers: ClinVar variation 1717872 (VCV001717872.5), dbSNP rs2527120898, ClinGen allele CA343894885.